The following is an entry in ClinVar:

ClinVar aggregate classification (germline): Uncertain significance (1 of 4 stars; one submission).

Allele frequency attached by ClinVar (database versions not stated): ExAC 0.00001; gnomAD 0.00001; gnomAD exomes 0.00001; TOPMed 0.00001.
gnomAD v4.1: 8 of 1,611,470 alleles (0.0005%); highest among the groups gnomAD compares: East Asian, 0.0067%; no homozygotes.

Submission:

Labcorp Genetics (formerly Invitae), Labcorp
Classification: Uncertain significance. Last evaluated: 2022-09-27. Review status: criteria provided, single submitter. Criteria: Invitae Variant Classification Sherloc (09022015). Collection method: clinical testing. Allele origin: germline.
Comment: This variant is present in population databases (rs771705889, gnomAD 0.02%). In summary, the available evidence is currently insufficient to determine the role of this variant in disease. Therefore, it has been classified as a Variant of Uncertain Significance. Variants that disrupt the consensus splice site are a relatively common cause of aberrant splicing (PMID: 17576681, 9536098). Algorithms developed to predict the effect of sequence changes on RNA splicing suggest that this variant is not likely to affect RNA splicing. ClinVar contains an entry for this variant (Variation ID: 1473295). This variant has not been reported in the literature in individuals affected with PTPN23-related conditions. This sequence change falls in intron 6 of the PTPN23 gene. It does not directly change the encoded amino acid sequence of the PTPN23 protein. It affects a nucleotide within the consensus splice site.

Literature cited by the submitters: PubMed 17576681; PubMed 9536098.

NM_015466.4(PTPN23):c.546+3G>A

Gene: PTPN23 (protein tyrosine phosphatase non-receptor type 23; plus strand). Cytogenetic location: 3p21.31.
Variant type: single nucleotide variant.
Coding change: c.546+3G>A on transcript NM_015466.4 (MANE Select); 3 bases into the intron after coding-DNA position 546, G replaced by A.
Molecular consequence: intron variant.
Genome position (GRCh38, 1-based): chr3:47,406,049, G>A. VCF-style: chr3-47406049-G-A. GRCh37 (hg19) VCF-style: chr3-47447539-G-A.
Other names: c.168+3G>A (NM_001304482.2).
Identifiers: ClinVar variation 1473295 (VCV001473295.6), dbSNP rs771705889, ClinGen allele CA2365361.